The following is an entry in ClinVar:

NM_000070.3(CAPN3):c.1615_1616insTGCGGTTTGCTCCTGGCCTTGCAAAGGCCT (p.Asn539delinsMetArgPheAlaProGlyLeuAlaLysAlaTyr)

Gene: CAPN3 (calpain 3; plus strand). Cytogenetic location: 15q15.1.
Variant type: Insertion.
Coding change: c.1615_1616insTGCGGTTTGCTCCTGGCCTTGCAAAGGCCT on transcript NM_000070.3 (MANE Select); coding-DNA positions 1615 to 1616, TGCGGTTTGCTCCTGGCCTTGCAAAGGCCT inserted.
Protein change: p.Asn539delinsMetArgPheAlaProGlyLeuAlaLysAlaTyr.
Molecular consequence: inframe indel.
Genome position: GRCh38 VCF-style: chr15-42402872-A-ATGCGGTTTGCTCCTGGCCTTGCAAAGGCCT. GRCh37 (hg19) VCF-style: chr15-42695070-A-ATGCGGTTTGCTCCTGGCCTTGCAAAGGCCT.
Other names: c.1615_1616insTGCGGTTTGCTCCTGGCCTTGCAAAGGCCT, p.Asn539delinsMetArgPheAlaProGlyLeuAlaLysAlaTyr (NM_024344.2); c.1471_1472insTGCGGTTTGCTCCTGGCCTTGCAAAGGCCT, p.Asn491delinsMetArgPheAlaProGlyLeuAlaLysAlaTyr (NM_173087.2); c.79_80insTGCGGTTTGCTCCTGGCCTTGCAAAGGCCT, p.Asn27delinsMetArgPheAlaProGlyLeuAlaLysAlaTyr (NM_173088.2).
Identifiers: ClinVar variation 1003523 (VCV001003523.10), dbSNP rs2053912617, ClinGen allele CA2172714472.

ClinVar aggregate classification (germline): Uncertain significance. Review status: criteria provided, multiple submitters, no conflicts (2 of 4 stars). 2 submissions from 2 submitters: Uncertain significance (2). Last evaluated 2026-07-17.

Conditions:
Autosomal recessive limb-girdle muscular dystrophy type 2A (LGMDR1). Also called: Muscular dystrophy, limb-girdle, type 2A, Amish; MUSCULAR DYSTROPHY, PELVOFEMORAL; Calpainopathy; LEYDEN-MOEBIUS MUSCULAR DYSTROPHY; Limb-girdle muscular dystrophy, type 2A. Identifiers: Orphanet 267, MedGen C1869123, MONDO:0009675, OMIM 253600. Disease mechanism: loss of function.

Submissions (2):

Myriad Genetics, Inc.
Classification: Uncertain significance for Autosomal recessive limb-girdle muscular dystrophy type 2A. Last evaluated: 2026-07-17. Review status: criteria provided, single submitter. Criteria: Myriad Autosomal Dominant, Autosomal Recessive and X-Linked Classification Criteria (2023). Collection method: clinical testing. Allele origin: unknown.
Comment: NM_000070.2(CAPN3):c.1615_1616ins30(N539delinsMRFAPGLAKAY) is an in-frame insertion classified as a variant of uncertain significance in the context of calpainopathy. N539delinsMRFAPGLAKAY has not been observed in cases with relevant disease. Relevant functional assessments of this variant are not available in the literature. N539delinsMRFAPGLAKAY has not been observed in referenced population frequency databases. In summary, there is insufficient evidence to classify NM_000070.2(CAPN3):c.1615_1616ins30(N539delinsMRFAPGLAKAY) as pathogenic or benign. Please note: this variant was assessed in the context of healthy population screening.

Labcorp Genetics (formerly Invitae), Labcorp
Classification: Uncertain significance for Autosomal recessive limb-girdle muscular dystrophy type 2A. Last evaluated: 2023-10-13. Review status: criteria provided, single submitter. Criteria: Invitae Variant Classification Sherloc (09022015). Collection method: clinical testing. Allele origin: germline.
Comment: This variant, c.1615_1616ins30, is a complex sequence change that results in the deletion of 1 and insertion of 11 amino acid(s) in the CAPN3 protein (p.Asn539delins11). This variant is not present in population databases (gnomAD no frequency). This variant has not been reported in the literature in individuals affected with CAPN3-related conditions. ClinVar contains an entry for this variant (Variation ID: 1003523). Experimental studies and prediction algorithms are not available or were not evaluated, and the functional significance of this variant is currently unknown. In summary, the available evidence is currently insufficient to determine the role of this variant in disease. Therefore, it has been classified as a Variant of Uncertain Significance.